The following is an entry in ClinVar:

ClinVar aggregate classification (germline): Uncertain significance. Review status: criteria provided, multiple submitters, no conflicts (2 of 4 stars). 4 submissions from 4 submitters: Uncertain significance (4). Last evaluated 2026-02-20.

Conditions:
Hereditary nonpolyposis colorectal neoplasms. Identifiers: MedGen C0009405, MeSH D003123.
Hereditary cancer-predisposing syndrome. Also called: Neoplastic Syndromes, Hereditary; Tumor predisposition; Hereditary Cancer Syndrome; Hereditary neoplastic syndrome. Identifiers: Orphanet 140162, MedGen C0027672, MeSH D009386, MONDO:0015356.
Lynch syndrome 4 (LYNCH4). Also called: Colorectal cancer, hereditary nonpolyposis, type 4; Hereditary non-polyposis colorectal cancer, type 4. Identifiers: Orphanet 144, MedGen C1838333, MONDO:0013699, OMIM 614337. Disease mechanism: loss of function.

Allele frequency attached by ClinVar (database versions not stated): gnomAD exomes 0.00001.
gnomAD v4.1: 8 of 1,610,824 alleles (0.0005%); highest among the groups gnomAD compares: Non-Finnish European, 0.00068%; no homozygotes.

Submissions (4):

St. Jude Molecular Pathology, St. Jude Children's Research Hospital
Classification: Uncertain significance for Lynch syndrome 4. Last evaluated: 2026-02-20. Review status: criteria provided, single submitter. Criteria: St. Jude Assertion Criteria 2020. Collection method: clinical testing. Allele origin: germline.
Comment: the PMS2 gene are associated with Lynch syndrome (also known as hereditary nonpolyposis colorectal cancer; HNPCC), an inherited disorder that increases the risk of many types of cancer, most notably colorectal ca ncers (OMIM ID: 614337). Pathogenic variants affecting both copies of the PMS2 gene result in constitutional mismatch repair deficiency (CMMRD) syndrome, a rare disorder that greatly increases the risk of developing one or more types of cancer in childre n and young adults (OMIM ID: 619101). The PMS2 c.1966G>A p.(Glu656Lys) missense change is absent in gnomAD v2.1.1. In silico tools predict a benign effect on protein function, but to our knowledge this prediction has not been confirmed by functional studies. To our knowledge, this variant has not been reported in individuals with Lynch syndrome or constitutional mismatch repair deficiency. In summary, the evidence currently available is insufficient to determine the clinical significance of this variant. It has therefore been classified as of uncertain significance.

Labcorp Genetics (formerly Invitae), Labcorp
Classification: Uncertain significance for Hereditary nonpolyposis colorectal neoplasms. Last evaluated: 2025-12-24. Review status: criteria provided, single submitter. Criteria: Invitae Variant Classification Sherloc (09022015). Collection method: clinical testing. Allele origin: germline.
Comment: This sequence change replaces glutamic acid, which is acidic and polar, with lysine, which is basic and polar, at codon 656 of the PMS2 protein (p.Glu656Lys). This variant is not present in population databases (gnomAD no frequency). This variant has not been reported in the literature in individuals affected with PMS2-related conditions. ClinVar contains an entry for this variant (Variation ID: 231057). Invitae Evidence Modeling incorporating data from in vitro experimental studies (internal data) indicates that this missense variant is not expected to disrupt PMS2 function with a negative predictive value of 95%. In summary, the available evidence is currently insufficient to determine the role of this variant in disease. Therefore, it has been classified as a Variant of Uncertain Significance.

Color Diagnostics, LLC DBA Color Health
Classification: Uncertain significance for Hereditary cancer-predisposing syndrome. Last evaluated: 2024-03-06. Review status: criteria provided, single submitter. Criteria: ACMG Guidelines, 2015. Collection method: clinical testing. Allele origin: germline.
Comment: This missense variant replaces glutamic acid with lysine at codon 656 of the PMS2 protein. Computational prediction suggests that this variant may not impact protein structure and function (internally defined REVEL score threshold <= 0.5, PMID: 27666373). To our knowledge, functional studies have not been reported for this variant. This variant has not been reported in individuals affected with hereditary cancer in the literature. This variant has not been identified in the general population by the Genome Aggregation Database (gnomAD). The available evidence is insufficient to determine the role of this variant in disease conclusively. Therefore, this variant is classified as a Variant of Uncertain Significance.

Ambry Genetics
Classification: Uncertain significance for Hereditary cancer-predisposing syndrome. Last evaluated: 2023-12-26. Review status: criteria provided, single submitter. Criteria: Ambry Variant Classification Scheme 2023. Collection method: clinical testing. Allele origin: germline.
Comment: The p.E656K variant (also known as c.1966G>A), located in coding exon 11 of the PMS2 gene, results from a G to A substitution at nucleotide position 1966. The glutamic acid at codon 656 is replaced by lysine, an amino acid with similar properties. This amino acid position is well conserved in available vertebrate species. In addition, the in silico prediction for this alteration is inconclusive. Since supporting evidence is limited at this time, the clinical significance of this alteration remains unclear.

NM_000535.7(PMS2):c.1966G>A (p.Glu656Lys)

Gene: PMS2 (PMS1 homolog 2, mismatch repair system component; minus strand). Cytogenetic location: 7p22.1.
Variant type: single nucleotide variant.
Coding change: c.1966G>A on transcript NM_000535.7 (MANE Select); coding-DNA position 1966, G replaced by A.
Protein change: p.Glu656Lys; replaces glutamic acid 656 with lysine.
Molecular consequence: missense variant. On other transcripts: non-coding transcript variant (1).
Genome position (GRCh38, 1-based): chr7:5,986,799, C>T on the plus strand (G>A on the coding strand, the complement: PMS2 is on the minus strand). VCF-style: chr7-5986799-C-T. GRCh37 (hg19) VCF-style: chr7-6026430-C-T.
Other names: c.1561G>A, p.Glu521Lys (NM_001322003.2, NM_001322004.2, NM_001322005.2 and 1 more transcripts); c.1810G>A, p.Glu604Lys (NM_001322006.2); c.1648G>A, p.Glu550Lys (NM_001322007.2, NM_001322008.2); c.1405G>A, p.Glu469Lys (NM_001322010.2); c.1033G>A, p.Glu345Lys (NM_001322011.2, NM_001322012.2); c.1393G>A, p.Glu465Lys (NM_001322013.2); c.1966G>A, p.Glu656Lys (NM_001322014.2); c.1657G>A, p.Glu553Lys (NM_001322015.2); short protein forms E656K, E604K, E465K, E469K, E550K, E553K, E521K, E345K.
Identifiers: ClinVar variation 231057 (VCV000231057.17), dbSNP rs876658931, ClinGen allele CA10578657.